The following is an entry in ClinVar:

ClinVar aggregate classification (germline): Uncertain significance (1 of 4 stars; one submission).

Conditions:
CTCF-related disorder. Also called: CTCF-related condition. Identifiers: MedGen CN381101.

Submission:

PreventionGenetics, part of Exact Sciences
Classification: Uncertain significance for CTCF-related condition. Last evaluated: 2026-05-24. Review status: criteria provided, single submitter. Criteria: ACMG Guidelines, 2015. Collection method: clinical testing. Allele origin: germline.
Comment: The CTCF c.38C>G variant is predicted to result in the amino acid substitution p.Ser13Cys. To our knowledge, this variant has not been reported in the literature or in a large population database (gnomAD), indicating this variant is rare. At this time, the clinical significance of this variant is uncertain due to the absence of conclusive functional and genetic evidence.

NM_006565.4(CTCF):c.38C>G (p.Ser13Cys)

Gene: CTCF (CCCTC-binding factor; plus strand). Cytogenetic location: 16q22.1.
Variant type: single nucleotide variant.
Coding change: c.38C>G on transcript NM_006565.4 (MANE Select); coding-DNA position 38, C replaced by G.
Protein change: p.Ser13Cys; replaces serine 13 with cysteine.
Molecular consequence: missense variant. On other transcripts: intron variant (1).
Genome position (GRCh38, 1-based): chr16:67,610,870, C>G. VCF-style: chr16-67610870-C-G. GRCh37 (hg19) VCF-style: chr16-67644773-C-G.
Other names: c.38C>G, p.Ser13Cys (NM_001363916.2, NM_001438968.1, NM_001438969.1); c.-32-5875C>G (NM_001191022.2); short protein forms S13C.
Identifiers: ClinVar variation 4994302 (VCV004994302.1).